The following is an entry in ClinVar:

ClinVar aggregate classification (germline): Pathogenic. Review status: criteria provided, multiple submitters, no conflicts (2 of 4 stars). 3 submissions from 3 submitters: Pathogenic (3). Last evaluated 2025-12-15.

Conditions:
Cardiovascular phenotype. Identifiers: MedGen CN230736.
Hereditary cancer-predisposing syndrome. Also called: Tumor predisposition; Hereditary Cancer Syndrome; Neoplastic Syndromes, Hereditary; Hereditary neoplastic syndrome. Identifiers: Orphanet 140162, MedGen C0027672, MeSH D009386, MONDO:0015356.
Neurofibromatosis, type 1 (NF1). Also called: VON RECKLINGHAUSEN DISEASE; Peripheral type neurofibromatosis; Neurofibromatosis, type I; NEUROFIBROMATOSIS, TYPE I, SOMATIC. Identifiers: Orphanet 636, MedGen C0027831, MONDO:0018975, OMIM 162200. Disease mechanism: loss of function.

Allele frequency attached by ClinVar (database versions not stated): TOPMed below 0.00001.

Submissions (3):

Labcorp Genetics (formerly Invitae), Labcorp
Classification: Pathogenic for Neurofibromatosis, type 1. Last evaluated: 2025-12-15. Review status: criteria provided, single submitter. Criteria: Invitae Variant Classification Sherloc (09022015). Collection method: clinical testing. Allele origin: germline.
Comment: This sequence change affects a donor splice site in intron 18 of the NF1 gene. It is expected to disrupt RNA splicing. Variants that disrupt the donor or acceptor splice site typically lead to a loss of protein function (PMID: 16199547), and loss-of-function variants in NF1 are known to be pathogenic (PMID: 10712197, 23913538). This variant is not present in population databases (gnomAD no frequency). Disruption of this splice site has been observed in individual(s) with neurofibromatosis type 1 (PMID: 31776437). ClinVar contains an entry for this variant (Variation ID: 219531). Algorithms developed to predict the effect of sequence changes on RNA splicing suggest that this variant may disrupt the consensus splice site. For these reasons, this variant has been classified as Pathogenic.

3billion
Classification: Pathogenic for Neurofibromatosis, type 1. Last evaluated: 2024-07-05. Review status: criteria provided, single submitter. Criteria: ACMG Guidelines, 2015. Collection method: clinical testing. Allele origin: germline. Affected: yes.
Comment: The variant is not observed in the gnomAD v4.0.0 dataset. Predicted Consequence/Location: Canonical splice site: predicted to alter splicing and result in a loss or disruption of normal protein function. Multiple pathogenic loss-of-function variants are reported downstream of the variant. In silico tools predict the variant to alter splicing and produce an abnormal transcript [SpliceAI: 0.99 (spliceogenicity >=0.2, non-spliceogenicity <0.1)]. The variant has been reported at least twice as pathogenic without evidence for the classification (ClinVar ID: VCV000219531 /PMID: 31776437). Therefore, this variant is classified as Pathogenic according to the recommendation of ACMG/AMP guideline.

Ambry Genetics
Classification: Pathogenic for Cardiovascular phenotype; Hereditary cancer-predisposing syndrome. Last evaluated: 2022-06-27. Review status: criteria provided, single submitter. Criteria: Ambry Variant Classification Scheme 2023. Collection method: clinical testing. Allele origin: germline.
Comment: The c.2251+2T>G intronic pathogenic mutation results from a T to G substitution two nucleotides after coding exon 18 in the NF1 gene. This alteration was identified in a cohort of Korean patients with a confirmed or suspected clinical diagnosis of neurofibromatosis type 1 (Kang E et al. J Hum Genet, 2020 Jan;65:79-89). In silico splice site analysis predicts that this alteration will weaken the native splice donor site. In addition to the clinical data presented in the literature, alterations that disrupt the canonical splice site are expected to cause aberrant splicing, resulting in an abnormal protein or a transcript that is subject to nonsense-mediated mRNA decay. As such, this alteration is classified as a disease-causing mutation.

Literature cited by the submitters: PubMed 16199547 (cited by Labcorp Genetics (formerly Invitae), Labcorp); PubMed 10712197 (cited by Labcorp Genetics (formerly Invitae), Labcorp); PubMed 23913538 (cited by Labcorp Genetics (formerly Invitae), Labcorp); PubMed 31776437 (cited by Labcorp Genetics (formerly Invitae), Labcorp and 3billion).

NM_001042492.3(NF1):c.2251+2T>G

Gene: NF1 (neurofibromin 1; plus strand). Cytogenetic location: 17q11.2.
Variant type: single nucleotide variant.
Coding change: c.2251+2T>G on transcript NM_001042492.3 (MANE Select); the canonical splice donor site of the intron after coding-DNA position 2251, T replaced by G.
Molecular consequence: splice donor variant.
Genome position (GRCh38, 1-based): chr17:31,226,686, T>G. VCF-style: chr17-31226686-T-G. GRCh37 (hg19) VCF-style: chr17-29553704-T-G.
Other names: c.2251+2T>G (NM_000267.4).
Identifiers: ClinVar variation 219531 (VCV000219531.8), dbSNP rs864622142, ClinGen allele CA348566.